The following is an entry in ClinVar:

NM_005909.5(MAP1B):c.6704T>C (p.Leu2235Pro)

Gene: MAP1B (microtubule associated protein 1B; plus strand). Cytogenetic location: 5q13.2.
Variant type: single nucleotide variant.
Coding change: c.6704T>C on transcript NM_005909.5 (MANE Select); coding-DNA position 6704, T replaced by C.
Protein change: p.Leu2235Pro; replaces leucine 2235 with proline.
Molecular consequence: missense variant.
Genome position (GRCh38, 1-based): chr5:72,200,059, T>C. VCF-style: chr5-72200059-T-C. GRCh37 (hg19) VCF-style: chr5-71495886-T-C.
Other names: c.6326T>C, p.Leu2109Pro (NM_001324255.2); short protein forms L2109P, L2235P.
Identifiers: ClinVar variation 5010035 (VCV005010035.1).
Genomic context (GRCh38, chr5:72,200,059, plus strand): 5'-CTGATGTGTCCATGGTGGACCCAGAGGCCTTGGCCATTGAGCAGAACCTGGGCAAAGCTC[T>C]AAAGAAAGATCTGAAAGAGAAGACCAAAACCAAAAAGCCAGGTACAAAGACCAAGTCATC-3'
Protein context (NP_005900.2, residues 2225-2245): LAIEQNLGKA[Leu2235Pro]KKDLKEKTKT

ClinVar aggregate classification (germline): Uncertain significance (1 of 4 stars; one submission).

Submission:

GeneDx
Classification: Uncertain significance. Last evaluated: 2026-02-23. Review status: criteria provided, single submitter. Criteria: GeneDx Variant Classification Process June 2021. Collection method: clinical testing. Allele origin: germline.
Comment: Not observed at significant frequency in large population cohorts (gnomAD); In silico analysis suggests that this missense variant does not alter protein structure/function; Has not been previously published as pathogenic or benign to our knowledge